The following is an entry in ClinVar:

NM_000182.5(HADHA):c.359C>A (p.Ser120Ter)

Gene: HADHA (hydroxyacyl-CoA dehydrogenase trifunctional multienzyme complex subunit alpha; minus strand). Cytogenetic location: 2p23.3.
Variant type: single nucleotide variant.
Coding change: c.359C>A on transcript NM_000182.5 (MANE Select); coding-DNA position 359, C replaced by A.
Protein change: p.Ser120Ter; replaces serine 120 with a stop codon.
Molecular consequence: nonsense.
Genome position (GRCh38, 1-based): chr2:26,234,311, G>T on the plus strand (C>A on the coding strand, the complement: HADHA is on the minus strand). VCF-style: chr2-26234311-G-T. GRCh37 (hg19) VCF-style: chr2-26457179-G-T.
Other names: short protein forms S120*.
Identifiers: ClinVar variation 983872 (VCV000983872.4), dbSNP rs1670695099, ClinGen allele CA346093668.

ClinVar aggregate classification (germline): Likely pathogenic (1 of 4 stars; one submission).

Conditions:
Long chain 3-hydroxyacyl-CoA dehydrogenase deficiency. Also called: LCHAD Deficiency; Deficiency of long-chain 3-hydroxyacyl-coenzyme A dehydrogenase. Identifiers: Orphanet 5, MedGen C3711645, MONDO:0012173, OMIM 609016.

Submission:

Myriad Genetics, Inc.
Classification: Likely pathogenic for Long chain 3-hydroxyacyl-CoA dehydrogenase deficiency. Last evaluated: 2019-03-12. Review status: criteria provided, single submitter. Criteria: Myriad Autosomal Dominant, Autosomal Recessive and X-Linked Classification Criteria (2023). Collection method: clinical testing. Allele origin: unknown.
Comment: NM_000182.4(HADHA):c.359C>A(S120*) is expected to be pathogenic in the context of HADHA-related disorders. This variant is predicted to lead to an abnormal or absent protein product due to the creation of a premature termination codon in HADHA, a gene where loss-of-function variants are known to be pathogenic. Please note: this variant was assessed in the context of healthy population screening.